The following is an entry in ClinVar:

NM_004519.4(KCNQ3):c.1391T>C (p.Val464Ala)

Gene: KCNQ3 (potassium voltage-gated channel subfamily Q member 3; minus strand). Cytogenetic location: 8q24.22.
Variant type: single nucleotide variant.
Coding change: c.1391T>C on transcript NM_004519.4 (MANE Select); coding-DNA position 1391, T replaced by C.
Protein change: p.Val464Ala; replaces valine 464 with alanine.
Molecular consequence: missense variant.
Genome position (GRCh38, 1-based): chr8:132,141,203, A>G on the plus strand (T>C on the coding strand, the complement: KCNQ3 is on the minus strand). VCF-style: chr8-132141203-A-G. GRCh37 (hg19) VCF-style: chr8-133153450-A-G.
Other names: p.V464A:GTT>GCT; c.1031T>C, p.Val344Ala (NM_001204824.2); short protein forms V464A, V344A.
Identifiers: ClinVar variation 205952 (VCV000205952.36), dbSNP rs143664009, ClinGen allele CA315574.
Genomic context (GRCh38, chr8:132,141,203, plus strand): 5'-CAGAAAGCGTAGGCTTTCATGCGGAAGGCCGTGCGGAAACGCTCTTTATTGTTTAAGCCA[A>G]CAGGCTTTGGTTCTTTAGAAGGACTTTCTTCTATGGCATCTACATTCAGAGGGGTAAATA-3'
Protein context (NP_004510.1, residues 454-474): EESPSKEPKP[Val464Ala]GLNNKERFRT

ClinVar aggregate classification (germline): Likely benign. Review status: criteria provided, multiple submitters, no conflicts (2 of 4 stars). 4 submissions from 4 submitters: Likely benign (3). 1 of the submissions does not count toward it. Last evaluated 2026-02-02.

Conditions:
Benign neonatal seizures. Also called: Convulsions benign familial neonatal dominant form; Autosomal dominant form of benign neonatal seizures; Benign familial neonatal seizures; Benign neonatal familial convulsions; Benign familial neonatal epilepsy. Identifiers: Orphanet 1949, MedGen C0220669, MONDO:0016027.
Intellectual disability. Also called: Intellectual functioning disability; intellectual disabilities; Intellectual developmental disorder. Identifiers: MedGen C3714756, MeSH D008607, MONDO:0001071, HP:0001249.

Allele frequency attached by ClinVar (database versions not stated): TOPMed 0.00014; ESP Exome Variant Server 0.00015; gnomAD 0.00017 and 0.00018; gnomAD exomes 0.00017 and 0.00018; ExAC 0.00021.
gnomAD v4.1: 289 of 1,614,084 alleles (0.018%); highest among the groups gnomAD compares: Non-Finnish European, 0.023%; 1 homozygote.

Submissions (4):

Labcorp Genetics (formerly Invitae), Labcorp
Classification: Likely benign for Benign neonatal seizures. Last evaluated: 2026-02-02. Review status: criteria provided, single submitter. Criteria: Invitae Variant Classification Sherloc (09022015). Collection method: clinical testing. Allele origin: germline.

CeGaT Center for Human Genetics Tuebingen
Classification: Likely benign. Last evaluated: 2026-01-01. Review status: criteria provided, single submitter. Criteria: CeGaT Center For Human Genetics Tuebingen Variant Classification Criteria Version 2. Collection method: clinical testing. Allele origin: germline. Affected: yes. Observed: 2 variant alleles.
Comment: KCNQ3: BS1

GeneDx
Classification: Likely benign. Last evaluated: 2021-01-12. Review status: criteria provided, single submitter. Criteria: GeneDx Variant Classification Process June 2021. Collection method: clinical testing. Allele origin: germline. Affected: yes.

Centre de Biologie Pathologie Génétique, Centre Hospitalier Universitaire de Lille
Classification: Likely benign for Intellectual disability. Last evaluated: 2019-01-01. Review status: no assertion criteria provided. Collection method: clinical testing. Allele origin: inherited. Affected: yes. Not counted in ClinVar's aggregate classification.